The following is an entry in ClinVar:

NM_201384.3(PLEC):c.10918T>G (p.Tyr3640Asp)

Gene: PLEC (plectin; minus strand). Cytogenetic location: 8q24.3.
Variant type: single nucleotide variant.
Coding change: c.10918T>G on transcript NM_201384.3 (MANE Select); coding-DNA position 10918, T replaced by G.
Protein change: p.Tyr3640Asp; replaces tyrosine 3640 with aspartic acid.
Molecular consequence: missense variant.
Genome position (GRCh38, 1-based): chr8:143,918,903, A>C on the plus strand (T>G on the coding strand, the complement: PLEC is on the minus strand). VCF-style: chr8-143918903-A-C. GRCh37 (hg19) VCF-style: chr8-144993071-A-C.
Other names: c.10999T>G, p.Tyr3667Asp (NM_000445.5); c.10876T>G, p.Tyr3626Asp (NM_201378.4); c.10852T>G, p.Tyr3618Asp (NM_201379.3); c.11329T>G, p.Tyr3777Asp (NM_201380.4); c.10822T>G, p.Tyr3608Asp (NM_201381.3); c.10918T>G, p.Tyr3640Asp (NM_201382.4); c.10930T>G, p.Tyr3644Asp (NM_201383.3); short protein forms Y3640D, Y3667D, Y3608D, Y3626D, Y3777D, Y3618D, Y3644D.
Identifiers: ClinVar variation 1399692 (VCV001399692.8), dbSNP rs2130949680, ClinGen allele CA372495661.

ClinVar aggregate classification (germline): Uncertain significance (1 of 4 stars; one submission).

Conditions:
Epidermolysis bullosa simplex 5C, with pyloric atresia (EBS5C). Also called: Epidermolysis bullosa simplex with pyloric atresia; PLEC-Related Epidermolysis Bullosa with Pyloric Atresia; PLEC1-Related Epidermolysis Bullosa with Pyloric Atresia. Identifiers: Orphanet 158684, MedGen C2677349, MONDO:0012807, OMIM 612138.
Epidermolysis bullosa simplex with nail dystrophy (EBS5D). Identifiers: MedGen C4225309, MONDO:0014661, OMIM 616487.
Epidermolysis bullosa simplex 5B, with muscular dystrophy (EBS5B). Also called: Epidermolysis bullosa simplex with muscular dystrophy; EPIDERMOLYSIS BULLOSA SIMPLEX AND LIMB-GIRDLE MUSCULAR DYSTROPHY. Identifiers: Orphanet 257, MedGen C2931072, MONDO:0009181, OMIM 226670.
Autosomal recessive limb-girdle muscular dystrophy type 2Q (LGMDR17). Also called: MUSCULAR DYSTROPHY, LIMB-GIRDLE, AUTOSOMAL RECESSIVE 17. Identifiers: Orphanet 254361, MedGen C3150989, MONDO:0013390, OMIM 613723.
Epidermolysis bullosa simplex, Ogna type (EBS5A). Also called: Pidermolysis bullosa simplex 5A, Ogna type; EPIDERMOLYSIS BULLOSA SIMPLEX 5A, OGNA TYPE. Identifiers: Orphanet 79401, MedGen C0432317, MONDO:0007555, OMIM 131950.

Submission:

Labcorp Genetics (formerly Invitae), Labcorp
Classification: Uncertain significance for Autosomal recessive limb-girdle muscular dystrophy type 2Q; Epidermolysis bullosa simplex, Ogna type; Epidermolysis bullosa simplex with nail dystrophy; Epidermolysis bullosa simplex 5C, with pyloric atresia; Epidermolysis bullosa simplex 5B, with muscular dystrophy. Last evaluated: 2021-06-22. Review status: criteria provided, single submitter. Criteria: Invitae Variant Classification Sherloc (09022015). Collection method: clinical testing. Allele origin: germline.
Comment: This variant has not been reported in the literature in individuals affected with PLEC-related conditions. This sequence change replaces tyrosine with aspartic acid at codon 3667 of the PLEC protein (p.Tyr3667Asp). The tyrosine residue is moderately conserved and there is a large physicochemical difference between tyrosine and aspartic acid. This variant is not present in population databases (ExAC no frequency). Algorithms developed to predict the effect of missense changes on protein structure and function are either unavailable or do not agree on the potential impact of this missense change (SIFT: "Tolerated"; PolyPhen-2: "Probably Damaging"; Align-GVGD: "Class C15"). In summary, the available evidence is currently insufficient to determine the role of this variant in disease. Therefore, it has been classified as a Variant of Uncertain Significance.